The following is an entry in ClinVar:

NM_003640.5(ELP1):c.1211T>C (p.Phe404Ser)

Gene: ELP1 (elongator acetyltransferase complex subunit 1; minus strand). Cytogenetic location: 9q31.3.
Variant type: single nucleotide variant.
Coding change: c.1211T>C on transcript NM_003640.5 (MANE Select); coding-DNA position 1211, T replaced by C.
Protein change: p.Phe404Ser; replaces phenylalanine 404 with serine.
Molecular consequence: missense variant.
Genome position (GRCh38, 1-based): chr9:108,911,159, A>G on the plus strand (T>C on the coding strand, the complement: ELP1 is on the minus strand). VCF-style: chr9-108911159-A-G. GRCh37 (hg19) VCF-style: chr9-111673439-A-G.
Other names: c.869T>C, p.Phe290Ser (NM_001318360.2); c.164T>C, p.Phe55Ser (NM_001330749.2); short protein forms F290S, F404S, F55S.
Identifiers: ClinVar variation 1800366 (VCV001800366.5), dbSNP rs1410649262, ClinGen allele CA374429169.
Genomic context (GRCh38, chr9:108,911,159, plus strand): 5'-ACAGGGTGTGGGAACAGCAGTTGGTAGGTGCACATGGGAGGCGGAACCACAGTCTGCCGG[A>G]AGACTGTCACCAACACCCTGTCTGCAGTGAAAAAGAAAGAAGAGGATTAGACCTAGGGAT-3'
Protein context (NP_003631.2, residues 394-414): IDGNRVLVTV[Phe404Ser]RQTVVPPPMC

ClinVar aggregate classification (germline): Uncertain significance. Review status: criteria provided, multiple submitters, no conflicts (2 of 4 stars). 2 submissions from 2 submitters: Uncertain significance (2). Last evaluated 2026-07-24.

Allele frequency attached by ClinVar (database versions not stated): gnomAD exomes below 0.00001; gnomAD 0.00001; TOPMed 0.00001.
gnomAD v4.1: 3 of 1,614,070 alleles (0.00019%); highest among the groups gnomAD compares: Admixed American, 0.0033%; no homozygotes.

Submissions (2):

GeneDx
Classification: Uncertain significance. Last evaluated: 2026-07-24. Review status: criteria provided, single submitter. Criteria: GeneDx Variant Classification Process June 2021. Collection method: clinical testing. Allele origin: germline.
Comment: Not observed at significant frequency in large population cohorts (gnomAD); In silico analysis supports that this missense variant has a deleterious effect on protein structure/function; Has not been previously published as pathogenic or benign to our knowledge

Ambry Genetics
Classification: Uncertain significance. Last evaluated: 2025-04-15. Review status: criteria provided, single submitter. Criteria: Ambry Variant Classification Scheme 2023. Collection method: clinical testing. Allele origin: germline.